The following is an entry in ClinVar:

NM_016011.5(MECR):c.1010G>A (p.Arg337Gln)

Gene: MECR (mitochondrial trans-2-enoyl-CoA reductase; minus strand). Cytogenetic location: 1p35.3.
Variant type: single nucleotide variant.
Coding change: c.1010G>A on transcript NM_016011.5 (MANE Select); coding-DNA position 1010, G replaced by A.
Protein change: p.Arg337Gln; replaces arginine 337 with glutamine.
Molecular consequence: missense variant. On other transcripts: non-coding transcript variant (4).
Genome position (GRCh38, 1-based): chr1:29,194,134, C>T on the plus strand (G>A on the coding strand, the complement: MECR is on the minus strand). VCF-style: chr1-29194134-C-T. GRCh37 (hg19) VCF-style: chr1-29520646-C-T.
Other names: c.782G>A, p.Arg261Gln (NM_001024732.4, NM_001349711.2, NM_001349712.2 and 2 more transcripts); c.1094G>A, p.Arg365Gln (NM_001349716.2); c.860G>A, p.Arg287Gln (NM_001349717.2); c.1010G>A (NM_016011.2); c.1115G>A, p.Arg372Gln (NM_001349715.2); short protein forms R287Q, R365Q, R372Q, R337Q, R261Q.
Identifiers: ClinVar variation 1444775 (VCV001444775.4), dbSNP rs750089240, ClinGen allele CA725540.
Genomic context (GRCh38, chr1:29,194,134, plus strand): 5'-AAGGCAGACTGGTAGTCCTGCAGCGGGACCTGGGAGCAGGCAGGGGCTGTGAGCTGGCCT[C>T]GGCGGATGAGATCGCACAGTGTGAGGATCAGCTCCTTGAACTGGTCTGCGGGAGGTTGGA-3'
Protein context (NP_057095.4, residues 327-347): LILTLCDLIR[Arg337Gln]GQLTAPACSQ

ClinVar aggregate classification (germline): Conflicting classifications of pathogenicity. Review status: criteria provided, conflicting classifications (1 of 4 stars). 2 submissions from 2 submitters: Uncertain significance (1); Likely benign (1). Last evaluated 2021-12-02.

Conditions:
Inborn genetic diseases. Identifiers: MedGen C0950123, MeSH D030342.

Allele frequency attached by ClinVar (database versions not stated): gnomAD exomes 0.00001 and 0.00002; ExAC 0.00002; TOPMed 0.00003; gnomAD 0.00004.

Submissions (2):

Labcorp Genetics (formerly Invitae), Labcorp
Classification: Uncertain significance. Last evaluated: 2021-12-02. Review status: criteria provided, single submitter. Criteria: Invitae Variant Classification Sherloc (09022015). Collection method: clinical testing. Allele origin: germline.
Comment: This sequence change replaces arginine, which is basic and polar, with glutamine, which is neutral and polar, at codon 337 of the MECR protein (p.Arg337Gln). This variant is present in population databases (rs750089240, gnomAD 0.004%). This variant has not been reported in the literature in individuals affected with MECR-related conditions. Algorithms developed to predict the effect of missense changes on protein structure and function output the following: SIFT: "Tolerated"; PolyPhen-2: "Benign"; Align-GVGD: "Class C0". The glutamine amino acid residue is found in multiple mammalian species, which suggests that this missense change does not adversely affect protein function. In summary, the available evidence is currently insufficient to determine the role of this variant in disease. Therefore, it has been classified as a Variant of Uncertain Significance.

Ambry Genetics
Classification: Likely benign for Inborn genetic diseases. Last evaluated: 2021-10-29. Review status: criteria provided, single submitter. Criteria: Ambry Variant Classification Scheme 2023. Collection method: clinical testing. Allele origin: germline.